The following is an entry in ClinVar:

NM_014780.5(CUL7):c.4886T>G (p.Leu1629Arg)

Gene: CUL7 (cullin 7; minus strand). Cytogenetic location: 6p21.1.
Variant type: single nucleotide variant.
Coding change: c.4886T>G on transcript NM_014780.5 (MANE Select); coding-DNA position 4886, T replaced by G.
Protein change: p.Leu1629Arg; replaces leucine 1629 with arginine.
Molecular consequence: missense variant.
Genome position (GRCh38, 1-based): chr6:43,037,899, A>C on the plus strand (T>G on the coding strand, the complement: CUL7 is on the minus strand). VCF-style: chr6-43037899-A-C. GRCh37 (hg19) VCF-style: chr6-43005637-A-C.
Other names: c.4982T>G, p.Leu1661Arg (NM_001168370.2, NM_001374872.1); c.4898T>G, p.Leu1633Arg (NM_001374873.1); c.4883T>G, p.Leu1628Arg (NM_001374874.1); short protein forms L1633R, L1661R, L1628R, L1629R.
Identifiers: ClinVar variation 1044800 (VCV001044800.8), dbSNP rs1763083713, ClinGen allele CA364181462.

ClinVar aggregate classification (germline): Uncertain significance (1 of 4 stars; one submission).

Submission:

Labcorp Genetics (formerly Invitae), Labcorp
Classification: Uncertain significance. Last evaluated: 2020-09-09. Review status: criteria provided, single submitter. Criteria: Invitae Variant Classification Sherloc (09022015). Collection method: clinical testing. Allele origin: germline.
Comment: In summary, the available evidence is currently insufficient to determine the role of this variant in disease. Therefore, it has been classified as a Variant of Uncertain Significance. Algorithms developed to predict the effect of missense changes on protein structure and function (SIFT, PolyPhen-2, Align-GVGD) all suggest that this variant is likely to be disruptive, but these predictions have not been confirmed by published functional studies and their clinical significance is uncertain. This variant has not been reported in the literature in individuals with CUL7-related conditions. This variant is not present in population databases (ExAC no frequency). This sequence change replaces leucine with arginine at codon 1629 of the CUL7 protein (p.Leu1629Arg). The leucine residue is highly conserved and there is a moderate physicochemical difference between leucine and arginine.